The following is an entry in ClinVar:

NM_001035.3(RYR2):c.6207G>A (p.Trp2069Ter)

Gene: RYR2 (ryanodine receptor 2; plus strand). Cytogenetic location: 1q43.
Variant type: single nucleotide variant.
Coding change: c.6207G>A on transcript NM_001035.3 (MANE Select); coding-DNA position 6207, G replaced by A.
Protein change: p.Trp2069Ter; replaces tryptophan 2069 with a stop codon.
Molecular consequence: nonsense.
Genome position (GRCh38, 1-based): chr1:237,627,847, G>A. VCF-style: chr1-237627847-G-A. GRCh37 (hg19) VCF-style: chr1-237791147-G-A.
Other names: short protein forms W2069*.
Identifiers: ClinVar variation 4726286 (VCV004726286.1).
Genomic context (GRCh38, chr1:237,627,847, plus strand): 5'-TATCCATAATGACTTTGCAGCCACTCTGCAGCAGCTGATTTCTGAGACCATGGTCCGATG[G>A]GCTCAGGAGTCTGTCATTGAAGACCCCGAGCTGGTGAGGGCCATGTTTGTGTTGCTCCAT-3'

ClinVar aggregate classification (germline): Uncertain significance (1 of 4 stars; one submission).

Conditions:
Catecholaminergic polymorphic ventricular tachycardia 1. Also called: RYR2-Related Catecholaminergic Polymorphic Ventricular Tachycardia; VENTRICULAR TACHYCARDIA, STRESS-INDUCED POLYMORPHIC 1; VENTRICULAR TACHYCARDIA, CATECHOLAMINERGIC POLYMORPHIC, 1, WITH OR WITHOUT ATRIAL DYSFUNCTION AND/OR DILATED CARDIOMYOPATHY. Identifiers: Orphanet 3286, MedGen C1631597, MONDO:0011484, OMIM 604772.

Submission:

Labcorp Genetics (formerly Invitae), Labcorp
Classification: Uncertain significance for Catecholaminergic polymorphic ventricular tachycardia 1. Last evaluated: 2025-08-29. Review status: criteria provided, single submitter. Criteria: Invitae Variant Classification Sherloc (09022015). Collection method: clinical testing. Allele origin: germline.
Comment: This sequence change creates a premature translational stop signal (p.Trp2069*) in the RYR2 gene. It is expected to result in an absent or disrupted protein product. However, the current clinical and genetic evidence is not sufficient to establish whether loss-of-function variants in RYR2 cause disease. This variant is not present in population databases (gnomAD no frequency). This variant has not been reported in the literature in individuals affected with RYR2-related conditions. In summary, the available evidence is currently insufficient to determine the role of this variant in disease. Therefore, it has been classified as a Variant of Uncertain Significance.